The following is an entry in ClinVar:

NM_001267550.2(TTN):c.46354T>G (p.Cys15452Gly)

Genes: TTN (titin; minus strand), TTN-AS1 (TTN antisense RNA 1; plus strand). Cytogenetic location: 2q31.2.
Variant type: single nucleotide variant.
Coding change: c.46354T>G on transcript NM_001267550.2 (MANE Select); coding-DNA position 46354, T replaced by G.
Protein change: p.Cys15452Gly; replaces cysteine 15452 with glycine.
Molecular consequence: missense variant. On other transcripts: non-coding transcript variant (1).
Genome position (GRCh38, 1-based): chr2:178,620,063, A>C on the plus strand (T>G on the coding strand, the complement: TTN is on the minus strand). VCF-style: chr2-178620063-A-C. GRCh37 (hg19) VCF-style: chr2-179484790-A-C.
Other names: c.41431T>G, p.Cys13811Gly (NM_001256850.1); c.19159T>G, p.Cys6387Gly (NM_003319.4); c.38650T>G, p.Cys12884Gly (NM_133378.4); c.19534T>G, p.Cys6512Gly (NM_133432.3); c.19735T>G, p.Cys6579Gly (NM_133437.4); short protein forms C12884G, C13811G, C15452G, C6387G, C6579G, C6512G.
Identifiers: ClinVar variation 1031090 (VCV001031090.1), dbSNP rs2058039119, ClinGen allele CA349627176.

ClinVar aggregate classification (germline): Uncertain significance (1 of 4 stars; one submission).

Conditions:
Myopathy, myofibrillar, 9, with early respiratory failure (MFM9). Also called: Myopathy, distal, with early respiratory failure, autosomal dominant; EDSTROM MYOPATHY; MYOPATHY, PROXIMAL, WITH EARLY RESPIRATORY MUSCLE INVOLVEMENT; Hereditary myopathy with early respiratory failure. Identifiers: Orphanet 178464, Orphanet 34521, MedGen C1863599, MONDO:0011362, OMIM 603689.

gnomAD v4.1: 2 of 1,611,934 alleles (0.00012%); highest among the groups gnomAD compares: African/African-American, 0.0027%; no homozygotes.

Submission:

Baylor Genetics
Classification: Uncertain significance for Myopathy, myofibrillar, 9, with early respiratory failure. Last evaluated: 2020-06-03. Review status: criteria provided, single submitter. Criteria: ACMG Guidelines, 2015. Collection method: clinical testing. Allele origin: unknown. Affected: yes.
Comment: This variant was determined to be of uncertain significance according to ACMG Guidelines, 2015 [PMID:25741868].